The following is an entry in ClinVar:

ClinVar aggregate classification (germline): Likely benign. Review status: criteria provided, multiple submitters, no conflicts (2 of 4 stars). 5 submissions from 5 submitters: Likely benign (5). Last evaluated 2026-01-20.

Conditions:
Larsen-like syndrome, B3GAT3 type. Also called: Multiple joint dislocations, short stature, craniofacial dysmorphism, with or without congenital heart defects; MULTIPLE JOINT DISLOCATIONS, SHORT STATURE, AND CRANIOFACIAL DYSMORPHISM WITH OR WITHOUT CONGENITAL HEART DEFECTS. Identifiers: Orphanet 284139, MedGen CN034159, MONDO:0009511, OMIM 245600.

Allele frequency attached by ClinVar (database versions not stated): ESP Exome Variant Server 0.00023; gnomAD 0.00038 and 0.00039; gnomAD exomes 0.00041; TOPMed 0.00043; ExAC 0.00047.
gnomAD v4.1: 660 of 1,614,132 alleles (0.041%); highest among the groups gnomAD compares: Admixed American, 0.068%; no homozygotes.

Submissions (5):

Labcorp Genetics (formerly Invitae), Labcorp
Classification: Likely benign for Larsen-like syndrome, B3GAT3 type. Last evaluated: 2026-01-20. Review status: criteria provided, single submitter. Criteria: Invitae Variant Classification Sherloc (09022015). Collection method: clinical testing. Allele origin: germline.

Mayo Clinic Laboratories, Mayo Clinic
Classification: Likely benign. Last evaluated: 2025-07-21. Review status: criteria provided, single submitter. Criteria: ACMG Guidelines, 2015. Collection method: clinical testing. Allele origin: germline. Observed: 4 variant alleles.
Comment: BP4, BP7

CeGaT Center for Human Genetics Tuebingen
Classification: Likely benign. Last evaluated: 2025-05-01. Review status: criteria provided, single submitter. Criteria: CeGaT Center For Human Genetics Tuebingen Variant Classification Criteria Version 2. Collection method: clinical testing. Allele origin: germline. Affected: yes. Observed: 2 variant alleles.
Comment: B3GAT3: BP4, BP7

Blueprint Genetics
Classification: Likely benign. Last evaluated: 2024-11-21. Review status: criteria provided, single submitter. Criteria: ACMG Guidelines, 2015. Collection method: clinical testing. Allele origin: germline.

GeneDx
Classification: Likely benign. Last evaluated: 2021-01-19. Review status: criteria provided, single submitter. Criteria: GeneDx Variant Classification Process June 2021. Collection method: clinical testing. Allele origin: germline. Affected: yes.

NM_012200.4(B3GAT3):c.741G>A (p.Arg247=)

Gene: B3GAT3 (beta-1,3-glucuronyltransferase 3; minus strand). Cytogenetic location: 11q12.3.
Variant type: single nucleotide variant.
Coding change: c.741G>A on transcript NM_012200.4 (MANE Select); coding-DNA position 741, G replaced by A.
Protein change: p.Arg247=; no amino-acid change (arginine 247 retained).
Molecular consequence: synonymous variant. On other transcripts: non-coding transcript variant (1).
Genome position (GRCh38, 1-based): chr11:62,616,674, C>T on the plus strand (G>A on the coding strand, the complement: B3GAT3 is on the minus strand). VCF-style: chr11-62616674-C-T. GRCh37 (hg19) VCF-style: chr11-62384146-C-T.
Other names: p.Arg247=; c.720G>A, p.Arg240= (NM_001288721.2); c.741G>A, p.Arg247= (NM_001288722.2, NM_001288723.2).
Identifiers: ClinVar variation 717447 (VCV000717447.38), dbSNP rs151230659, ClinGen allele CA6050017.
Genomic context (GRCh38, chr11:62,616,674, plus strand): 5'-GGGCTTATCTAACAGCAAGGGCAGGGCCACGGCAAATCCAGCCATATCCACAGGGAAGGG[C>T]CTGCTGGGCTCCCATGCTGTGTGGAAGCCCACTACCCGGCCGTCCTGTACCTGAGGGCCC-3'
Protein context (NP_036332.2, residues 237-257): VGFHTAWEPS[Arg247=]PFPVDMAGFA